The following is an entry in ClinVar:

ClinVar aggregate classification (germline): Uncertain significance (0 of 4 stars; one submission).

Conditions:
KCNQ5-related disorder. Also called: KCNQ5-related condition.

Allele frequency attached by ClinVar (database versions not stated): TOPMed below 0.00001.

Submission:

PreventionGenetics, part of Exact Sciences
Classification: Uncertain significance for KCNQ5-related condition. Last evaluated: 2024-01-11. Review status: no assertion criteria provided. Collection method: clinical testing. Allele origin: germline.
Comment: The KCNQ5 c.2524C>T variant is predicted to result in the amino acid substitution p.Pro842Ser. To our knowledge, this variant has not been reported in the literature or in a large population database, indicating this variant is rare. At this time, the clinical significance of this variant is uncertain due to the absence of conclusive functional and genetic evidence.

NM_019842.4(KCNQ5):c.2467C>T (p.Pro823Ser)

Gene: KCNQ5 (potassium voltage-gated channel subfamily Q member 5; plus strand). Cytogenetic location: 6q13.
Variant type: single nucleotide variant.
Coding change: c.2467C>T on transcript NM_019842.4 (MANE Select); coding-DNA position 2467, C replaced by T.
Protein change: p.Pro823Ser; replaces proline 823 with serine.
Molecular consequence: missense variant.
Genome position (GRCh38, 1-based): chr6:73,195,082, C>T. VCF-style: chr6-73195082-C-T. GRCh37 (hg19) VCF-style: chr6-73904805-C-T.
Other names: c.2440C>T, p.Pro814Ser (NM_001160130.2); c.2497C>T, p.Pro833Ser (NM_001160132.2); c.2524C>T, p.Pro842Ser (NM_001160133.2); c.2137C>T, p.Pro713Ser (NM_001160134.2); short protein forms P713S, P814S, P823S, P833S, P842S.
Identifiers: ClinVar variation 3033077 (VCV003033077.2), dbSNP rs1765738048, ClinGen allele CA364696370.